The following is an entry in ClinVar:

ClinVar aggregate classification (germline): Uncertain significance (1 of 4 stars; one submission).

Conditions:
Charcot-Marie-Tooth disease type 2. Also called: Charcot-Marie-Tooth type 2. Identifiers: Orphanet 64746, MedGen C0270914, MONDO:0018993.

Allele frequency attached by ClinVar (database versions not stated): gnomAD 0.00001; gnomAD exomes 0.00001; ExAC 0.00002.
gnomAD v4.1: 10 of 1,614,106 alleles (0.00062%); highest among the groups gnomAD compares: South Asian, 0.0033%; no homozygotes.

Submission:

Labcorp Genetics (formerly Invitae), Labcorp
Classification: Uncertain significance for Charcot-Marie-Tooth disease type 2. Last evaluated: 2022-08-16. Review status: criteria provided, single submitter. Criteria: Invitae Variant Classification Sherloc (09022015). Collection method: clinical testing. Allele origin: germline.
Comment: This sequence change replaces serine, which is neutral and polar, with leucine, which is neutral and non-polar, at codon 593 of the MFN2 protein (p.Ser593Leu). This variant is present in population databases (rs759372833, gnomAD 0.003%). This variant has not been reported in the literature in individuals affected with MFN2-related conditions. ClinVar contains an entry for this variant (Variation ID: 1462588). Algorithms developed to predict the effect of missense changes on protein structure and function are either unavailable or do not agree on the potential impact of this missense change (SIFT: "Deleterious"; PolyPhen-2: "Benign"; Align-GVGD: "Class C0"). In summary, the available evidence is currently insufficient to determine the role of this variant in disease. Therefore, it has been classified as a Variant of Uncertain Significance.

NM_014874.4(MFN2):c.1778C>T (p.Ser593Leu)

Gene: MFN2 (mitofusin 2; plus strand). Cytogenetic location: 1p36.22.
Variant type: single nucleotide variant.
Coding change: c.1778C>T on transcript NM_014874.4 (MANE Select); coding-DNA position 1778, C replaced by T.
Protein change: p.Ser593Leu; replaces serine 593 with leucine.
Molecular consequence: missense variant.
Genome position (GRCh38, 1-based): chr1:12,006,599, C>T. VCF-style: chr1-12006599-C-T. GRCh37 (hg19) VCF-style: chr1-12066656-C-T.
Other names: c.1778C>T, p.Ser593Leu (NM_001127660.2); short protein forms S593L.
Identifiers: ClinVar variation 1462588 (VCV001462588.8), dbSNP rs759372833, ClinGen allele CA599224.